The following is an entry in ClinVar:

ClinVar aggregate classification (germline): Likely pathogenic (1 of 4 stars; one submission).

Submission:

CeGaT Center for Human Genetics Tuebingen
Classification: Likely pathogenic. Last evaluated: 2023-10-01. Review status: criteria provided, single submitter. Criteria: CeGaT Center For Human Genetics Tuebingen Variant Classification Criteria Version 2. Collection method: clinical testing. Allele origin: germline. Affected: yes. Observed: 1 variant allele.
Comment: SOD1: PM2, PM5, PP2, PP3, PS4:Supporting

NM_000454.5(SOD1):c.442G>T (p.Gly148Cys)

Gene: SOD1 (superoxide dismutase 1; plus strand). Cytogenetic location: 21q22.11.
Variant type: single nucleotide variant.
Coding change: c.442G>T on transcript NM_000454.5 (MANE Select); coding-DNA position 442, G replaced by T.
Protein change: p.Gly148Cys; replaces glycine 148 with cysteine.
Molecular consequence: missense variant.
Genome position (GRCh38, 1-based): chr21:31,668,555, G>T. VCF-style: chr21-31668555-G-T. GRCh37 (hg19) VCF-style: chr21-33040868-G-T.
Other names: short protein forms G148C.
Identifiers: ClinVar variation 2652587 (VCV002652587.24), dbSNP rs1568811520, ClinGen allele CA410037814.
Genomic context (GRCh38, chr21:31,668,555, plus strand): 5'-GGCAAAGGTGGAAATGAAGAAAGTACAAAGACAGGAAACGCTGGAAGTCGTTTGGCTTGT[G>T]GTGTAATTGGGATCGCCCAATAAACATTCCCTTGGATGTAGTCTGAGGCCCCTTAACTCA-3'
Protein context (NP_000445.1, residues 138-154): TGNAGSRLAC[Gly148Cys]VIGIAQ